The following is an entry in ClinVar:

ClinVar aggregate classification (germline): Uncertain significance (1 of 4 stars; one submission).

Conditions:
Anterior segment dysgenesis. Also called: Ocular anterior segment dysgenesis. Identifiers: Orphanet 88632, MedGen C1862839, MONDO:0019503, HP:0007700.
Congenital primary aphakia. Also called: Anterior segment dysgenesis 2, multiple subtypes; ANTERIOR SEGMENT DYSGENESIS 2. Identifiers: Orphanet 83461, MedGen C1853230, MONDO:0012456, OMIM 610256.

Submission:

Labcorp Genetics (formerly Invitae), Labcorp
Classification: Uncertain significance for Anterior segment dysgenesis; Congenital primary aphakia. Last evaluated: 2025-08-29. Review status: criteria provided, single submitter. Criteria: Invitae Variant Classification Sherloc (09022015). Collection method: clinical testing. Allele origin: germline.
Comment: This sequence change replaces glycine, which is neutral and non-polar, with glutamic acid, which is acidic and polar, at codon 207 of the FOXE3 protein (p.Gly207Glu). This variant is not present in population databases (gnomAD no frequency). This variant has not been reported in the literature in individuals affected with FOXE3-related conditions. Invitae Evidence Modeling of protein sequence and biophysical properties (such as structural, functional, and spatial information, amino acid conservation, physicochemical variation, residue mobility, and thermodynamic stability) has been performed for this missense variant. However, the output from this modeling did not meet the statistical confidence thresholds required to predict the impact of this variant on FOXE3 protein function. In summary, the available evidence is currently insufficient to determine the role of this variant in disease. Therefore, it has been classified as a Variant of Uncertain Significance.

NM_012186.3(FOXE3):c.620G>A (p.Gly207Glu)

Genes: FOXE3 (forkhead box E3; plus strand), LINC01389 (long independently transcribed non-coding RNA 1389; minus strand). Cytogenetic location: 1p33.
Variant type: single nucleotide variant.
Coding change: c.620G>A on transcript NM_012186.3 (MANE Select); coding-DNA position 620, G replaced by A.
Protein change: p.Gly207Glu; replaces glycine 207 with glutamic acid.
Molecular consequence: missense variant.
Genome position (GRCh38, 1-based): chr1:47,416,935, G>A. VCF-style: chr1-47416935-G-A. GRCh37 (hg19) VCF-style: chr1-47882607-G-A.
Other names: short protein forms G207E.
Identifiers: ClinVar variation 4790054 (VCV004790054.1).